The following is an entry in ClinVar:

NC_000009.11:g.(?_20862557)_(20916956_?)del

Gene: FOCAD (focadhesin; plus strand). Cytogenetic location: 9p21.3.
Variant type: Deletion.
Identifiers: ClinVar variation 3245357 (VCV003245357.1).

ClinVar aggregate classification (germline): Uncertain significance (1 of 4 stars; one submission).

Submission:

Labcorp Genetics (formerly Invitae), Labcorp
Classification: Uncertain significance. Last evaluated: 2024-01-17. Review status: criteria provided, single submitter. Criteria: Invitae Variant Classification Sherloc (09022015). Collection method: clinical testing. Allele origin: unknown.
Comment: This variant is a gross deletion of the genomic region encompassing exon(s) 18-26 of the FOCAD gene. This deletion is out-of-frame, and is expected to create a premature translational stop signal and result in an absent or disrupted protein product. However, the current clinical and genetic evidence is not sufficient to establish whether loss-of-function variants in FOCAD cause disease. This variant has not been reported in the literature in individuals affected with FOCAD-related conditions. In summary, the available evidence is currently insufficient to determine the role of this variant in disease. Therefore, it has been classified as a Variant of Uncertain Significance.